The following is an entry in ClinVar:

ClinVar aggregate classification (germline): Uncertain significance (1 of 4 stars; one submission).

Allele frequency attached by ClinVar (database versions not stated): gnomAD exomes below 0.00001; TOPMed below 0.00001; gnomAD 0.00001.
gnomAD v4.1: 2 of 1,583,540 alleles (0.00013%); highest among the groups gnomAD compares: African/African-American, 0.0027%; no homozygotes.

Submission:

GeneDx
Classification: Uncertain significance. Last evaluated: 2022-01-25. Review status: criteria provided, single submitter. Criteria: GeneDx Variant Classification Process June 2021. Collection method: clinical testing. Allele origin: germline. Affected: yes.
Comment: Has not been previously published as pathogenic or benign to our knowledge; Not observed at significant frequency in large population cohorts (gnomAD); In silico analysis supports a deleterious effect on splicing

NM_001267550.2(TTN):c.41609-11T>G

Gene: TTN (titin; minus strand). Cytogenetic location: 2q31.2.
Variant type: single nucleotide variant.
Coding change: c.41609-11T>G on transcript NM_001267550.2 (MANE Select); 11 bases into the intron before coding-DNA position 41609, T replaced by G.
Molecular consequence: intron variant.
Genome position (GRCh38, 1-based): chr2:178,635,726, A>C on the plus strand (T>G on the coding strand, the complement: TTN is on the minus strand). VCF-style: chr2-178635726-A-C. GRCh37 (hg19) VCF-style: chr2-179500453-A-C.
Other names: c.14414-11T>G (NM_003319.4); c.14990-11T>G (NM_133437.4); c.14789-11T>G (NM_133432.3); c.33905-11T>G (NM_133378.4); c.36686-11T>G (NM_001256850.1).
Identifiers: ClinVar variation 1698300 (VCV001698300.2), dbSNP rs1163532017, ClinGen allele CA538436051.